The following is an entry in ClinVar:

ClinVar aggregate classification (germline): Uncertain significance (1 of 4 stars; one submission).

Conditions:
Hereditary cancer-predisposing syndrome. Also called: Neoplastic Syndromes, Hereditary; Tumor predisposition; Hereditary Cancer Syndrome; Hereditary neoplastic syndrome. Identifiers: Orphanet 140162, MedGen C0027672, MeSH D009386, MONDO:0015356.

Allele frequency attached by ClinVar (database versions not stated): gnomAD exomes below 0.00001.
gnomAD v4.1: 1 of 1,613,864 alleles (0.000062%); highest among the groups gnomAD compares: Admixed American, 0.0017%; no homozygotes.

Submission:

Color Diagnostics, LLC DBA Color Health
Classification: Uncertain significance for Hereditary cancer-predisposing syndrome. Last evaluated: 2023-12-13. Review status: criteria provided, single submitter. Criteria: ACMG Guidelines, 2015. Collection method: clinical testing. Allele origin: germline.
Comment: This missense variant replaces threonine with isoleucine at codon 1526 of the BRCA2 protein. Computational prediction suggests that this variant may have deleterious impact on protein structure and function (internally defined REVEL score threshold >= 0.7, PMID: 27666373). To our knowledge, functional studies have not been reported for this variant. This variant has not been reported in individuals affected with BRCA2-related disorders in the literature. This variant has not been identified in the general population by the Genome Aggregation Database (gnomAD). The available evidence is insufficient to determine the role of this variant in disease conclusively. Therefore, this variant is classified as a Variant of Uncertain Significance.

NM_000059.4(BRCA2):c.4577C>T (p.Thr1526Ile)

Gene: BRCA2 (BRCA2 DNA repair associated; plus strand). Cytogenetic location: 13q13.1.
Variant type: single nucleotide variant.
Coding change: c.4577C>T on transcript NM_000059.4 (MANE Select); coding-DNA position 4577, C replaced by T.
Protein change: p.Thr1526Ile; replaces threonine 1526 with isoleucine.
Molecular consequence: missense variant. On other transcripts: non-coding transcript variant (1), intron variant (2).
Genome position (GRCh38, 1-based): chr13:32,338,932, C>T. VCF-style: chr13-32338932-C-T. GRCh37 (hg19) VCF-style: chr13-32913069-C-T.
Other names: c.4577C>T, p.Thr1526Ile (NM_001406719.1, NM_001406720.1); c.1909+5545C>T (NM_001406721.1); c.425-5626C>T (NM_001406722.1); short protein forms T1526I.
Identifiers: ClinVar variation 2774911 (VCV002774911.2), dbSNP rs2137507891, ClinGen allele CA387781892.